The following is an entry in ClinVar:

ClinVar aggregate classification (germline): Benign/Likely benign. Review status: criteria provided, multiple submitters, no conflicts (2 of 4 stars). 9 submissions from 9 submitters: Benign (5); Likely benign (2). 2 of the submissions do not count toward it. Last evaluated 2026-02-04.

Conditions:
Primary ciliary dyskinesia. Also called: Ciliary dyskinesia. Identifiers: Orphanet 244, MedGen C0008780, MONDO:0016575, HP:0012265.
Kartagener syndrome (CILD1). Also called: Dextrocardia bronchiectasis and sinusitis; SIEWERT SYNDROME; POLYNESIAN BRONCHIECTASIS; CILIARY DYSKINESIA, PRIMARY, 1; CILIARY DYSKINESIA, PRIMARY, 1, WITH OR WITHOUT SITUS INVERSUS; IMMOTILE CILIA SYNDROME. Identifiers: Orphanet 244, MedGen C4551906, MONDO:0009484, OMIM 244400.

Allele frequency attached by ClinVar (database versions not stated): gnomAD exomes 0.01081 and 0.03444; ESP Exome Variant Server 0.02161; gnomAD 0.02757 and 0.02853; ExAC 0.03286; TOPMed 0.03627; 1000 Genomes Project 0.05551; 1000 Genomes Project 30x 0.05606.
gnomAD v4.1: 20,452 of 1,614,028 alleles (1.3%); highest among the groups gnomAD compares: East Asian, 11%; 846 homozygotes.

Submissions (9):

Labcorp Genetics (formerly Invitae), Labcorp
Classification: Benign for Primary ciliary dyskinesia. Last evaluated: 2026-02-04. Review status: criteria provided, single submitter. Criteria: Invitae Variant Classification Sherloc (09022015). Collection method: clinical testing. Allele origin: germline.

Blueprint Genetics
Classification: Likely benign. Last evaluated: 2024-11-27. Review status: criteria provided, single submitter. Criteria: ACMG Guidelines, 2015. Collection method: clinical testing. Allele origin: germline.

GeneDx
Classification: Benign. Last evaluated: 2018-11-12. Review status: criteria provided, single submitter. Criteria: GeneDx Variant Classification Process June 2021. Collection method: clinical testing. Allele origin: germline. Affected: yes.

Ambry Genetics
Classification: Benign for Primary ciliary dyskinesia. Last evaluated: 2015-01-12. Review status: criteria provided, single submitter. Criteria: Ambry Variant Classification Scheme 2023. Collection method: clinical testing. Allele origin: germline.

Laboratory for Molecular Medicine, Mass General Brigham Personalized Medicine
Classification: Benign. Last evaluated: 2013-02-21. Review status: criteria provided, single submitter. Criteria: LMM Criteria. Collection method: clinical testing. Allele origin: germline. Observed: 5 variant alleles.
Comment: Val487Gly in exon 15 of DNAI1: This variant is not expected to have clinical sig nificance because it has been identified in 6.1% (269/4406) of African American chromosomes from a broad population by the NHLBI Exome Sequencing Project (dbSNP rs11999454).

Breakthrough Genomics
Classification: Likely benign. Review status: criteria provided, single submitter. Criteria: ACMG Guidelines, 2015. Collection method: not provided. Allele origin: germline. Inheritance: Autosomal recessive inheritance. Affected: yes.

PreventionGenetics, part of Exact Sciences
Classification: Benign. Review status: criteria provided, single submitter. Criteria: ACMG Guidelines, 2015. Collection method: clinical testing. Allele origin: germline.

Natera, Inc.
Classification: Benign for Primary ciliary dyskinesia. Last evaluated: 2020-09-16. Review status: no assertion criteria provided. Collection method: clinical testing. Allele origin: germline. Not counted in ClinVar's aggregate classification.

Counsyl
Classification: Benign for Kartagener syndrome. Last evaluated: 2017-03-06. Review status: no assertion criteria provided. Collection method: clinical testing. Allele origin: unknown. Not counted in ClinVar's aggregate classification.

NM_012144.4(DNAI1):c.1460T>G (p.Val487Gly)

Gene: DNAI1 (dynein axonemal intermediate chain 1; plus strand). Cytogenetic location: 9p13.3.
Variant type: single nucleotide variant.
Coding change: c.1460T>G on transcript NM_012144.4 (MANE Select); coding-DNA position 1460, T replaced by G.
Protein change: p.Val487Gly; replaces valine 487 with glycine.
Molecular consequence: missense variant.
Genome position (GRCh38, 1-based): chr9:34,512,395, T>G. VCF-style: chr9-34512395-T-G. GRCh37 (hg19) VCF-style: chr9-34512393-T-G.
Other names: c.1472T>G, p.Val491Gly (NM_001281428.2); short protein forms V487G, V491G.
Identifiers: ClinVar variation 163165 (VCV000163165.28), dbSNP rs11999454, ClinGen allele CA175820.
Genomic context (GRCh38, chr9:34,512,395, plus strand): 5'-AGAGAAAGCTGGTTCACATAGATGTCATCAAGCTGAAGGTGGAAGGCAGCACCACGGAAG[T>G]TCCTGAGGGGTTGCAGCTGCACCCAGTGGGTAGGAGCCCCAGCCCTCTCACCTCCAGGCC-3'
Protein context (NP_036276.1, residues 477-497): KLKVEGSTTE[Val487Gly]PEGLQLHPVG